The following is an entry in ClinVar:

ClinVar aggregate classification (germline): Uncertain significance (1 of 4 stars; one submission).

Submission:

Women's Health and Genetics/Laboratory Corporation of America, LabCorp
Classification: Uncertain significance. Last evaluated: 2025-11-24. Review status: criteria provided, single submitter. Criteria: LabCorp Variant Classification Summary - May 2015. Collection method: clinical testing. Allele origin: germline.
Comment: Variant summary: VRK1 c.397C>A (p.Arg133Ser) results in a non-conservative amino acid change in the encoded protein sequence. Algorithms developed to predict the effect of missense changes on protein structure and function are either unavailable or do not agree on the potential impact of this missense change. The variant was absent in 251010 control chromosomes. The available data on variant occurrences in the general population are insufficient to allow any conclusion about variant significance. To our knowledge, no occurrence of c.397C>A in individuals affected with VRK1-related conditions and no experimental evidence demonstrating its impact on protein function have been reported. No submitters have cited clinical-significance assessments for this variant to ClinVar. Based on the evidence outlined above, the variant was classified as uncertain significance.

NM_003384.3(VRK1):c.397C>A (p.Arg133Ser)

Gene: VRK1 (VRK serine/threonine kinase 1; plus strand). Cytogenetic location: 14q32.2.
Variant type: single nucleotide variant.
Coding change: c.397C>A on transcript NM_003384.3 (MANE Select); coding-DNA position 397, C replaced by A.
Protein change: p.Arg133Ser; replaces arginine 133 with serine.
Molecular consequence: missense variant.
Genome position (GRCh38, 1-based): chr14:96,852,853, C>A. VCF-style: chr14-96852853-C-A. GRCh37 (hg19) VCF-style: chr14-97319190-C-A.
Other names: c.397C>A, p.Arg133Ser (NM_001411051.1, NM_001411053.1); short protein forms R133S.
Identifiers: ClinVar variation 4537243 (VCV004537243.1).